The following is an entry in ClinVar:

ClinVar aggregate classification (germline): Likely pathogenic (1 of 4 stars; one submission).

Conditions:
Congenital microvillous atrophy (DIAR2). Also called: CONGENITAL FAMILIAL PROTRACTED DIARRHEA WITH ENTEROCYTE BRUSH-BORDER ABNORMALITIES; DAVIDSON DISEASE; MICROVILLUS ATROPHY, CONGENITAL; Microvillus inclusion disease; Diarrhea 2 with microvillus atrophy, with or without cholestasis. Identifiers: Orphanet 2290, MedGen C0341306, MONDO:0009635, OMIM 251850.

Submission:

Aleixo Muise Laboratory, Hospital For Sick Children
Classification: Likely pathogenic for Congenital microvillous atrophy. Last evaluated: 2024-07-05. Review status: criteria provided, single submitter. Criteria: ACMG Guidelines, 2015. Collection method: research. Allele origin: germline. Affected: yes. Observed: 1 variant allele.
Comment: PM2;PM3;PM5;PP3;PP4

NM_001080467.3(MYO5B):c.487G>A (p.Gly163Arg)

Gene: MYO5B (myosin VB; minus strand). Cytogenetic location: 18q21.1.
Variant type: single nucleotide variant.
Coding change: c.487G>A on transcript NM_001080467.3 (MANE Select); coding-DNA position 487, G replaced by A.
Protein change: p.Gly163Arg; replaces glycine 163 with arginine.
Molecular consequence: missense variant.
Genome position (GRCh38, 1-based): chr18:50,001,380, C>T on the plus strand (G>A on the coding strand, the complement: MYO5B is on the minus strand). VCF-style: chr18-50001380-C-T. GRCh37 (hg19) VCF-style: chr18-47527750-C-T.
Other names: short protein forms G163R.
Identifiers: ClinVar variation 3255327 (VCV003255327.1).